The following is an entry in ClinVar:

ClinVar aggregate classification (germline): Uncertain significance (1 of 4 stars; one submission).

gnomAD v4.1: 18 of 1,614,034 alleles (0.0011%); highest among the groups gnomAD compares: Admixed American, 0.0017%; no homozygotes.

Submission:

GeneDx
Classification: Uncertain significance. Last evaluated: 2026-02-06. Review status: criteria provided, single submitter. Criteria: GeneDx Variant Classification Process June 2021. Collection method: clinical testing. Allele origin: germline.
Comment: Not observed at significant frequency in large population cohorts (gnomAD); In silico analysis suggests that this missense variant does not alter protein structure/function; Has not been previously published as pathogenic or benign to our knowledge

NM_005245.4(FAT1):c.3460A>G (p.Lys1154Glu)

Gene: FAT1 (FAT atypical cadherin 1; minus strand). Cytogenetic location: 4q35.2.
Variant type: single nucleotide variant.
Coding change: c.3460A>G on transcript NM_005245.4 (MANE Select); coding-DNA position 3460, A replaced by G.
Protein change: p.Lys1154Glu; replaces lysine 1154 with glutamic acid.
Molecular consequence: missense variant.
Genome position (GRCh38, 1-based): chr4:186,663,419, T>C on the plus strand (A>G on the coding strand, the complement: FAT1 is on the minus strand). VCF-style: chr4-186663419-T-C. GRCh37 (hg19) VCF-style: chr4-187584573-T-C.
Other names: c.3460A>G, p.Lys1154Glu (NM_001440455.1, NM_001440456.1, NM_001440457.1); short protein forms K1154E.
Identifiers: ClinVar variation 4976173 (VCV004976173.1).